The following is an entry in ClinVar:

NM_002024.6(FMR1):c.1268_1269del (p.Tyr423fs)

Gene: FMR1 (fragile X messenger ribonucleoprotein 1; plus strand). Cytogenetic location: Xq27.3.
Variant type: Deletion.
Coding change: c.1268_1269del on transcript NM_002024.6 (MANE Select); coding-DNA positions 1268 to 1269, 2 bases deleted (AT; older notation c.1268_1269delAT).
Protein change: p.Tyr423fs; shifts the reading frame from tyrosine 423.
Molecular consequence: frameshift variant. On other transcripts: non-coding transcript variant (2).
Genome position (GRCh38, 1-based): chrX:147,940,655-147,940,656, AT deleted; deleting any 2 consecutive bases within chrX:147,940,654-147,940,656 gives the same sequence; the c. name uses the placement nearest the transcript's 3' end. VCF-style (leftmost placement, unchanged base first): chrX-147940653-CTA-C. GRCh37 (hg19) VCF-style: chrX-147022172-CTA-C.
Other names: c.1268_1269del, p.Tyr423fs (NM_001185075.2); c.1205_1206del, p.Tyr402fs (NM_001185076.2, NM_001185081.2, NM_001185082.2); short protein forms Y402fs, Y423fs.
Identifiers: ClinVar variation 1708227 (VCV001708227.2), dbSNP rs2521451788, ClinGen allele CA2580101659.

ClinVar aggregate classification (germline): Likely pathogenic (1 of 4 stars; one submission).

Conditions:
Fragile X syndrome. Also called: MARKER X SYNDROME; MARTIN-BELL SYNDROME; MENTAL RETARDATION, X-LINKED, ASSOCIATED WITH marXq28; X-LINKED MENTAL RETARDATION AND MACROORCHIDISM; Fragile X syndrome, type A; Fragile X Syndrome (FXS). Identifiers: Orphanet 449291, Orphanet 908, MedGen C0016667, MONDO:0010383, OMIM 300624. Disease mechanism: loss of function.

Submission:

Genetics Laboratory, UDIAT-Centre Diagnòstic, Hospital Universitari Parc Tauli
Classification: Likely pathogenic for Fragile X syndrome. Last evaluated: 2022-10-04. Review status: criteria provided, single submitter. Criteria: Parc Tauli Hospital Assertion Criteria 2021. Collection method: clinical testing. Allele origin: unknown. Inheritance: X-linked inheritance. Affected: yes.
Comment: PVS1;PM2_supporting